The following is an entry in ClinVar:

ClinVar aggregate classification (germline): Uncertain significance (1 of 4 stars; one submission).

Conditions:
Pancreatic adenocarcinoma. Identifiers: MedGen C0281361, MONDO:0006047, HP:0006725.

Submission:

Labcorp Genetics (formerly Invitae), Labcorp
Classification: Uncertain significance for Pancreatic adenocarcinoma. Last evaluated: 2025-11-09. Review status: criteria provided, single submitter. Criteria: Invitae Variant Classification Sherloc (09022015). Collection method: clinical testing. Allele origin: germline.
Comment: This sequence change replaces arginine, which is basic and polar, with lysine, which is basic and polar, at codon 442 of the PALLD protein (p.Arg442Lys). This variant is not present in population databases (gnomAD no frequency). This variant has not been reported in the literature in individuals affected with PALLD-related conditions. An algorithm developed to predict the effect of missense changes on protein structure and function (PolyPhen-2) suggests that this variant is likely to be tolerated. In summary, the available evidence is currently insufficient to determine the role of this variant in disease. Therefore, it has been classified as a Variant of Uncertain Significance.

NM_001166108.2(PALLD):c.2837G>A (p.Arg946Lys)

Genes: CBR4 (carbonyl reductase 4; minus strand), PALLD (palladin, cytoskeletal associated protein; plus strand). Cytogenetic location: 4q32.3.
Variant type: single nucleotide variant.
Coding change: c.2837G>A on transcript NM_001166108.2 (MANE Select); coding-DNA position 2837, G replaced by A.
Protein change: p.Arg946Lys; replaces arginine 946 with lysine.
Molecular consequence: missense variant.
Genome position (GRCh38, 1-based): chr4:168,916,014, G>A. VCF-style: chr4-168916014-G-A. GRCh37 (hg19) VCF-style: chr4-169837165-G-A.
Other names: c.1640G>A, p.Arg547Lys (NM_001166109.2); c.1325G>A, p.Arg442Lys (NM_001166110.2); c.665G>A, p.Arg222Lys (NM_001367567.1, NM_001367569.1); c.716G>A, p.Arg239Lys (NM_001367568.1, NM_001367570.1); c.2786G>A, p.Arg929Lys (NM_016081.4); short protein forms R239K, R442K, R946K, R547K, R222K, R929K.
Identifiers: ClinVar variation 4773353 (VCV004773353.1).